The following is an entry in ClinVar:

ClinVar aggregate classification (germline): Conflicting classifications of pathogenicity. Review status: criteria provided, conflicting classifications (1 of 4 stars). 15 submissions from 14 submitters: Uncertain significance (1); Benign (10). 4 of the submissions do not count toward it. Last evaluated 2026-02-04.

Conditions:
WFS1-Related Spectrum Disorders.
Type 2 diabetes mellitus. Also called: Type II diabetes mellitus. Identifiers: MedGen C0011860, MeSH D003924, MONDO:0005148, OMIM 125853, HP:0005978.
Autosomal dominant nonsyndromic hearing loss 6 (LFSNHL). Also called: DEAFNESS, AUTOSOMAL DOMINANT 6; DEAFNESS, AUTOSOMAL DOMINANT 14; DEAFNESS, AUTOSOMAL DOMINANT 38; Autosomal dominant nonsyndromic deafness 6. Identifiers: Orphanet 90635, MedGen C1833021, MONDO:0010963, OMIM 600965.

Allele frequency attached by ClinVar (database versions not stated): gnomAD exomes 0.62208 and 0.66545; ESP Exome Variant Server 0.63232; gnomAD 0.63787 and 0.64563; TOPMed 0.65580; ExAC 0.65950; 1000 Genomes Project 30x 0.72611; 1000 Genomes Project 0.72943.
gnomAD v4.1: 1,007,081 of 1,610,910 alleles (63%); highest among the groups gnomAD compares: East Asian, 96%; 319,197 homozygotes.

Submissions (15):

Labcorp Genetics (formerly Invitae), Labcorp
Classification: Benign. Last evaluated: 2026-02-04. Review status: criteria provided, single submitter. Criteria: Invitae Variant Classification Sherloc (09022015). Collection method: clinical testing. Allele origin: germline.

Blueprint Genetics
Classification: Benign. Last evaluated: 2024-11-27. Review status: criteria provided, single submitter. Criteria: ACMG Guidelines, 2015. Collection method: clinical testing. Allele origin: germline.

Mayo Clinic Laboratories, Mayo Clinic
Classification: Benign. Last evaluated: 2022-03-24. Review status: criteria provided, single submitter. Criteria: ACMG Guidelines, 2015. Collection method: clinical testing. Allele origin: germline. Observed: 552 variant alleles.

Illumina Laboratory Services, Illumina
Classification: Benign for Autosomal dominant nonsyndromic hearing loss 6. Last evaluated: 2018-01-12. Review status: criteria provided, single submitter. Criteria: ICSL Variant Classification Criteria 13 December 2019. Collection method: clinical testing. Allele origin: germline.
Comment: This variant was observed in the ICSL laboratory as part of a predisposition screen in an ostensibly healthy population. It had not been previously curated by ICSL or reported in the Human Gene Mutation Database (HGMD: prior to June 1st, 2018), and was therefore a candidate for classification through an automated scoring system. Utilizing variant allele frequency, disease prevalence and penetrance estimates, and inheritance mode, an automated score was calculated to assess if this variant is too frequent to cause the disease. Based on the score and internal cut-off values, a variant classified as benign is not then subjected to further curation. The score for this variant resulted in a classification of benign for this disease.

Illumina Laboratory Services, Illumina
Classification: Benign for WFS1-Related Spectrum Disorders. Last evaluated: 2018-01-12. Review status: criteria provided, single submitter. Criteria: ICSL Variant Classification Criteria 13 December 2019. Collection method: clinical testing. Allele origin: germline.
Comment: the same text as in the submission from Illumina Laboratory Services, Illumina above.

GeneDx
Classification: Benign. Last evaluated: 2015-03-03. Review status: criteria provided, single submitter. Criteria: GeneDx Variant Classification Process June 2021. Collection method: clinical testing. Allele origin: germline. Affected: yes.

Eurofins Ntd Llc (ga)
Classification: Benign. Last evaluated: 2013-07-30. Review status: criteria provided, single submitter. Criteria: EGL Classification Definitions 2015. Collection method: clinical testing. Allele origin: germline. Observed: 44 variant alleles, 19 heterozygotes, 25 homozygotes.

Laboratory for Molecular Medicine, Mass General Brigham Personalized Medicine
Classification: Benign. Last evaluated: 2012-02-28. Review status: criteria provided, single submitter. Criteria: LMM Criteria. Collection method: clinical testing. Allele origin: germline. Observed: 1,385 variant alleles.

Breakthrough Genomics
Classification: Benign. Review status: criteria provided, single submitter. Criteria: ACMG Guidelines, 2015. Collection method: not provided. Allele origin: germline. Inheritance: Autosomal recessive inheritance. Affected: yes.

Clinical Genomics, Uppaluri K&H Personalized Medicine Clinic
Classification: Uncertain significance for Type 2 diabetes mellitus. Review status: criteria provided, single submitter. Criteria: K & H Uppaluri Personalized Medicine Clinic Variant Classification & Assertion Criteria_Updated V.1. Collection method: research. Allele origin: unknown. Inheritance: Autosomal dominant inheritance.
Comment: Potent mutations of WFS1 gene are associated with Wolfram's syndrome, an autosomal recessive condition, which cause diabetes mellitus, diabetes insipidus, deafness and optic atrophy. However, contradictory evidences are found for rs1801214 role in Diabetes mellitus.

PreventionGenetics, part of Exact Sciences
Classification: Benign. Review status: criteria provided, single submitter. Criteria: ACMG Guidelines, 2015. Collection method: clinical testing. Allele origin: germline.

Clinical Genetics DNA and cytogenetics Diagnostics Lab, Erasmus MC, Erasmus Medical Center
Classification: Benign. Review status: no assertion criteria provided. Collection method: clinical testing. Allele origin: germline. Affected: yes. Study: VKGL Data-share Consensus. Not counted in ClinVar's aggregate classification.

Diagnostic Laboratory, Department of Genetics, University Medical Center Groningen
Classification: Benign. Review status: no assertion criteria provided. Collection method: clinical testing. Allele origin: germline. Affected: yes. Study: VKGL Data-share Consensus. Not counted in ClinVar's aggregate classification.

Genetic Services Laboratory, University of Chicago
Classification: Likely benign for AllHighlyPenetrant. Review status: no assertion criteria provided. Collection method: clinical testing. Allele origin: germline. Inheritance: Autosomal recessive inheritance. Not counted in ClinVar's aggregate classification.
Comment: Likely benign based on allele frequency in 1000 Genomes Project or ESP global frequency and its presence in a patient with a rare or unrelated disease phenotype. NOT Sanger confirmed.

Joint Genome Diagnostic Labs from Nijmegen and Maastricht, Radboudumc and MUMC+
Classification: Benign. Review status: no assertion criteria provided. Collection method: clinical testing. Allele origin: germline. Affected: yes. Study: VKGL Data-share Consensus. Not counted in ClinVar's aggregate classification.

Literature cited by the submitters: PubMed 29988211 (cited by Clinical Genomics, Uppaluri K&H Personalized Medicine Clinic); PubMed 26064370 (cited by Clinical Genomics, Uppaluri K&H Personalized Medicine Clinic).

NM_006005.3(WFS1):c.1500C>T (p.Asn500=)

Gene: WFS1 (wolframin ER transmembrane glycoprotein; plus strand). Cytogenetic location: 4p16.1.
Variant type: single nucleotide variant.
Coding change: c.1500C>T on transcript NM_006005.3 (MANE Select); coding-DNA position 1500, C replaced by T.
Protein change: p.Asn500=; no amino-acid change (asparagine 500 retained).
Molecular consequence: synonymous variant.
Genome position (GRCh38, 1-based): chr4:6,301,295, C>T. VCF-style: chr4-6301295-C-T. GRCh37 (hg19) VCF-style: chr4-6303022-C-T.
Other names: p.Asn500=; c.1500C>T, p.Asn500= (NM_001145853.1).
Identifiers: ClinVar variation 45437 (VCV000045437.40), dbSNP rs1801214, ClinGen allele CA136336.